The following is an entry in ClinVar:

NM_001267550.2(TTN):c.57085G>A (p.Glu19029Lys)

Genes: TTN (titin; minus strand), TTN-AS1 (TTN antisense RNA 1; plus strand). Cytogenetic location: 2q31.2.
Variant type: single nucleotide variant.
Coding change: c.57085G>A on transcript NM_001267550.2 (MANE Select); coding-DNA position 57085, G replaced by A.
Protein change: p.Glu19029Lys; replaces glutamic acid 19029 with lysine.
Molecular consequence: missense variant.
Genome position (GRCh38, 1-based): chr2:178,598,532, C>T on the plus strand (G>A on the coding strand, the complement: TTN is on the minus strand). VCF-style: chr2-178598532-C-T. GRCh37 (hg19) VCF-style: chr2-179463259-C-T.
Other names: p.Glu17388Lys; c.52162G>A, p.Glu17388Lys (NM_001256850.1); c.29890G>A, p.Glu9964Lys (NM_003319.4); c.49381G>A, p.Glu16461Lys (NM_133378.4); c.30265G>A, p.Glu10089Lys (NM_133432.3); c.30466G>A, p.Glu10156Lys (NM_133437.4); short protein forms E19029K, E17388K, E10156K, E16461K, E9964K, E10089K.
Identifiers: ClinVar variation 4540732 (VCV004540732.1).

ClinVar aggregate classification (germline): Uncertain significance (1 of 4 stars; one submission).

gnomAD v4.1: 2 of 1,608,638 alleles (0.00012%); highest among the groups gnomAD compares: South Asian, 0.0011%; no homozygotes.

Submission:

Mayo Clinic Laboratories, Mayo Clinic
Classification: Uncertain significance. Last evaluated: 2025-04-18. Review status: criteria provided, single submitter. Criteria: ACMG Guidelines, 2015. Collection method: clinical testing. Allele origin: germline. Observed: 1 variant allele.
Comment: BP4, PM2_supporting